The following is an entry in ClinVar:

ClinVar aggregate classification (germline): Conflicting classifications of pathogenicity. Review status: criteria provided, conflicting classifications (1 of 4 stars). 2 submissions from 2 submitters: Uncertain significance (1); Likely benign (1). Last evaluated 2024-07-30.

Allele frequency attached by ClinVar (database versions not stated): gnomAD exomes below 0.00001; gnomAD 0.00001.
gnomAD v4.1: 6 of 1,458,362 alleles (0.00041%); highest among the groups gnomAD compares: East Asian, 0.0031%; no homozygotes.

Submissions (2):

GeneDx
Classification: Uncertain significance. Last evaluated: 2024-07-30. Review status: criteria provided, single submitter. Criteria: GeneDx Variant Classification Process June 2021. Collection method: clinical testing. Allele origin: germline. Affected: yes.
Comment: Not observed at significant frequency in large population cohorts (gnomAD); In silico analysis indicates that this variant does not alter splicing; Has not been previously published as pathogenic or benign to our knowledge

Labcorp Genetics (formerly Invitae), Labcorp
Classification: Likely benign. Last evaluated: 2021-12-24. Review status: criteria provided, single submitter. Criteria: Invitae Variant Classification Sherloc (09022015). Collection method: clinical testing. Allele origin: germline.

NM_002972.4(SBF1):c.39C>T (p.Phe13=)

Gene: SBF1 (SET binding factor 1; minus strand). Cytogenetic location: 22q13.33.
Variant type: single nucleotide variant.
Coding change: c.39C>T on transcript NM_002972.4 (MANE Select); coding-DNA position 39, C replaced by T.
Protein change: p.Phe13=; no amino-acid change (phenylalanine 13 retained).
Molecular consequence: synonymous variant.
Genome position (GRCh38, 1-based): chr22:50,474,802, G>A on the plus strand (C>T on the coding strand, the complement: SBF1 is on the minus strand). VCF-style: chr22-50474802-G-A. GRCh37 (hg19) VCF-style: chr22-50913231-G-A.
Other names: c.39C>T, p.Phe13= (NM_001365819.1); c.39C>T (NM_002972.2).
Identifiers: ClinVar variation 1654519 (VCV001654519.9), dbSNP rs1233981025, ClinGen allele CA515270187.